The following is an entry in ClinVar:

ClinVar aggregate classification (germline): Uncertain significance (1 of 4 stars; one submission).

Submission:

Labcorp Genetics (formerly Invitae), Labcorp
Classification: Uncertain significance. Last evaluated: 2022-08-22. Review status: criteria provided, single submitter. Criteria: Invitae Variant Classification Sherloc (09022015). Collection method: clinical testing. Allele origin: germline.
Comment: In summary, the available evidence is currently insufficient to determine the role of this variant in disease. Therefore, it has been classified as a Variant of Uncertain Significance. Algorithms developed to predict the effect of sequence changes on RNA splicing suggest that this variant may create or strengthen a splice site. Algorithms developed to predict the effect of missense changes on protein structure and function are either unavailable or do not agree on the potential impact of this missense change (SIFT: "Deleterious"; PolyPhen-2: "Benign"; Align-GVGD: "Class C0"). This variant has not been reported in the literature in individuals affected with BRD4-related conditions. This variant is not present in population databases (gnomAD no frequency). This sequence change replaces leucine, which is neutral and non-polar, with valine, which is neutral and non-polar, at codon 835 of the BRD4 protein (p.Leu835Val).

NM_001379291.1(BRD4):c.2503C>G (p.Leu835Val)

Gene: BRD4 (bromodomain containing 4; minus strand). Cytogenetic location: 19p13.12.
Variant type: single nucleotide variant.
Coding change: c.2503C>G on transcript NM_001379291.1 (MANE Select); coding-DNA position 2503, C replaced by G.
Protein change: p.Leu835Val; replaces leucine 835 with valine.
Molecular consequence: missense variant.
Genome position (GRCh38, 1-based): chr19:15,244,309, G>C on the plus strand (C>G on the coding strand, the complement: BRD4 is on the minus strand). VCF-style: chr19-15244309-G-C. GRCh37 (hg19) VCF-style: chr19-15355120-G-C.
Other names: c.2503C>G, p.Leu835Val (NM_058243.3); short protein forms L835V.
Identifiers: ClinVar variation 2097939 (VCV002097939.4), dbSNP rs2145515636, ClinGen allele CA404507294.